The following is an entry in ClinVar:

ClinVar aggregate classification (germline): Uncertain significance (1 of 4 stars; one submission).

Submission:

GeneDx
Classification: Uncertain significance. Last evaluated: 2020-09-11. Review status: criteria provided, single submitter. Criteria: GeneDx Variant Classification Process June 2021. Collection method: clinical testing. Allele origin: germline. Affected: yes.
Comment: Not observed in large population cohorts (gnomAD); In silico analysis supports that this missense variant has a deleterious effect on protein structure/function; Has not been previously published as pathogenic or benign to our knowledge

NM_001288705.3(CSF1R):c.1583T>C (p.Leu528Ser)

Gene: CSF1R (colony stimulating factor 1 receptor; minus strand). Cytogenetic location: 5q32.
Variant type: single nucleotide variant.
Coding change: c.1583T>C on transcript NM_001288705.3 (MANE Select); coding-DNA position 1583, T replaced by C.
Protein change: p.Leu528Ser; replaces leucine 528 with serine.
Molecular consequence: missense variant. On other transcripts: non-coding transcript variant (2).
Genome position (GRCh38, 1-based): chr5:150,068,258, A>G on the plus strand (T>C on the coding strand, the complement: CSF1R is on the minus strand). VCF-style: chr5-150068258-A-G. GRCh37 (hg19) VCF-style: chr5-149447821-A-G.
Other names: c.1583T>C, p.Leu528Ser (NM_001349736.2, NM_001375320.1, NM_005211.4); c.1139T>C, p.Leu380Ser (NM_001375321.1); short protein forms L380S, L528S.
Identifiers: ClinVar variation 2577831 (VCV002577831.1), dbSNP rs1561922044, ClinGen allele CA361717942.